The following is an entry in ClinVar:

ClinVar aggregate classification (germline): Uncertain significance (1 of 4 stars; one submission).

Conditions:
Tumor predisposition syndrome 3 (TPDS3). Also called: Melanoma, cutaneous malignant, susceptibility to, 10; Glioma susceptibility 9; LONG TELOMERE SYNDROME, POT1-RELATED; POT1 Tumor Predisposition. Identifiers: Orphanet 618, MedGen C4014476, MONDO:0014368, OMIM 615848.

gnomAD v4.1: 1 of 1,605,628 alleles (0.000062%); highest among the groups gnomAD compares: Non-Finnish European, 0.000085%; no homozygotes.

Submission:

Labcorp Genetics (formerly Invitae), Labcorp
Classification: Uncertain significance for Tumor predisposition syndrome 3. Last evaluated: 2025-10-14. Review status: criteria provided, single submitter. Criteria: Invitae Variant Classification Sherloc (09022015). Collection method: clinical testing. Allele origin: germline.
Comment: This sequence change replaces leucine, which is neutral and non-polar, with proline, which is neutral and non-polar, at codon 84 of the POT1 protein (p.Leu84Pro). This variant is present in population databases (rs771936721, gnomAD 0.0009%). This variant has not been reported in the literature in individuals affected with POT1-related conditions. Invitae Evidence Modeling of protein sequence and biophysical properties (such as structural, functional, and spatial information, amino acid conservation, physicochemical variation, residue mobility, and thermodynamic stability) indicates that this missense variant is not expected to disrupt POT1 protein function with a negative predictive value of 80%. In summary, the available evidence is currently insufficient to determine the role of this variant in disease. Therefore, it has been classified as a Variant of Uncertain Significance.

NM_015450.3(POT1):c.251T>C (p.Leu84Pro)

Gene: POT1 (protection of telomeres 1; minus strand). Cytogenetic location: 7q31.33.
Variant type: single nucleotide variant.
Coding change: c.251T>C on transcript NM_015450.3 (MANE Select); coding-DNA position 251, T replaced by C.
Protein change: p.Leu84Pro; replaces leucine 84 with proline.
Molecular consequence: missense variant. On other transcripts: non-coding transcript variant (3), intron variant (1).
Genome position (GRCh38, 1-based): chr7:124,870,915, A>G on the plus strand (T>C on the coding strand, the complement: POT1 is on the minus strand). VCF-style: chr7-124870915-A-G. GRCh37 (hg19) VCF-style: chr7-124510969-A-G.
Other names: c.-138-7275T>C (NM_001042594.2); short protein forms L84P.
Identifiers: ClinVar variation 4742281 (VCV004742281.1).
Genomic context (GRCh38, chr7:124,870,915, plus strand): 5'-GAACAATACAGAGTTCTCTTCAAATAAATATAAGTTCTAGACAATATGAATTATACCTTC[A>G]GCCTGTGAAAGCGAACAATATCTCCATTTTTATAAATTATTGGAAGGGCTTCATAGTTTC-3'
Protein context (NP_056265.2, residues 74-94): KNGDIVRFHR[Leu84Pro]KIQVYKKETQ